The following is an entry in ClinVar:

ClinVar aggregate classification (germline): Uncertain significance (1 of 4 stars; one submission).

Conditions:
Immunodeficiency 39 (IMD39). Identifiers: Orphanet 574918, MedGen C4225358, MONDO:0014597, OMIM 616345.

gnomAD v4.1: 1 of 1,611,502 alleles (0.000062%); no homozygotes.

Submission:

Labcorp Genetics (formerly Invitae), Labcorp
Classification: Uncertain significance for Immunodeficiency 39. Last evaluated: 2024-08-30. Review status: criteria provided, single submitter. Criteria: Invitae Variant Classification Sherloc (09022015). Collection method: clinical testing. Allele origin: germline.
Comment: This sequence change replaces aspartic acid, which is acidic and polar, with asparagine, which is neutral and polar, at codon 191 of the IRF7 protein (p.Asp191Asn). This variant is not present in population databases (gnomAD no frequency). This variant has not been reported in the literature in individuals affected with IRF7-related conditions. Invitae Evidence Modeling of protein sequence and biophysical properties (such as structural, functional, and spatial information, amino acid conservation, physicochemical variation, residue mobility, and thermodynamic stability) indicates that this missense variant is not expected to disrupt IRF7 protein function with a negative predictive value of 80%. In summary, the available evidence is currently insufficient to determine the role of this variant in disease. Therefore, it has been classified as a Variant of Uncertain Significance.

NM_001572.5(IRF7):c.532G>A (p.Asp178Asn)

Gene: IRF7 (interferon regulatory factor 7; minus strand). Cytogenetic location: 11p15.5.
Variant type: single nucleotide variant.
Coding change: c.532G>A on transcript NM_001572.5 (MANE Select); coding-DNA position 532, G replaced by A.
Protein change: p.Asp178Asn; replaces aspartic acid 178 with asparagine.
Molecular consequence: missense variant.
Genome position (GRCh38, 1-based): chr11:614,321, C>T on the plus strand (G>A on the coding strand, the complement: IRF7 is on the minus strand). VCF-style: chr11-614321-C-T. GRCh37 (hg19) VCF-style: chr11-614321-C-T.
Other names: c.532G>A, p.Asp178Asn (NM_004029.4); c.571G>A, p.Asp191Asn (NM_004031.4); short protein forms D178N, D191N.
Identifiers: ClinVar variation 3708910 (VCV003708910.2).